The following is an entry in ClinVar:

ClinVar aggregate classification (germline): Likely benign (0 of 4 stars; one submission).

Conditions:
NRP1-related disorder. Also called: NRP1-related condition.

Allele frequency attached by ClinVar (database versions not stated): ExAC 0.00001; TOPMed 0.00001; gnomAD 0.00002; gnomAD exomes 0.00002.
gnomAD v4.1: 27 of 1,614,084 alleles (0.0017%); highest among the groups gnomAD compares: Non-Finnish European, 0.0023%; no homozygotes.

Submission:

PreventionGenetics, part of Exact Sciences
Classification: Likely benign for NRP1-related condition. Last evaluated: 2024-02-16. Review status: no assertion criteria provided. Collection method: clinical testing. Allele origin: germline.
Comment: This variant is classified as likely benign based on ACMG/AMP sequence variant interpretation guidelines (Richards et al. 2015 PMID: 25741868, with internal and published modifications).

NM_003873.7(NRP1):c.1062T>C (p.Tyr354=)

Gene: NRP1 (neuropilin 1; minus strand). Cytogenetic location: 10p11.22.
Variant type: single nucleotide variant.
Coding change: c.1062T>C on transcript NM_003873.7 (MANE Select); coding-DNA position 1062, T replaced by C.
Protein change: p.Tyr354=; no amino-acid change (tyrosine 354 retained).
Molecular consequence: synonymous variant. On other transcripts: non-coding transcript variant (1).
Genome position (GRCh38, 1-based): chr10:33,226,209, A>G on the plus strand (T>C on the coding strand, the complement: NRP1 is on the minus strand). VCF-style: chr10-33226209-A-G. GRCh37 (hg19) VCF-style: chr10-33515137-A-G.
Other names: c.1062T>C, p.Tyr354= (NM_001024628.3, NM_001024629.3, NM_001244972.2 and 2 more transcripts).
Identifiers: ClinVar variation 3045961 (VCV003045961.2), dbSNP rs746484582, ClinGen allele CA5466746.